The following is an entry in ClinVar:

ClinVar aggregate classification (germline): Uncertain significance (1 of 4 stars; one submission).

Conditions:
Acrocallosal syndrome (ACLS). Also called: HALLUX DUPLICATION, POSTAXIAL POLYDACTYLY, AND ABSENCE OF CORPUS CALLOSUM; Schinzel syndrome 1; Absence of corpus callosum with unusual facial appearance, mental deficiency, duplication of the halluces and polydactyly. Identifiers: Orphanet 36, MedGen C0796147, MONDO:0008708, OMIM 200990.

Allele frequency attached by ClinVar (database versions not stated): gnomAD exomes 0.00001; ExAC 0.00002; gnomAD 0.00002.

Submission:

Labcorp Genetics (formerly Invitae), Labcorp
Classification: Uncertain significance for Acrocallosal syndrome. Last evaluated: 2022-02-05. Review status: criteria provided, single submitter. Criteria: Invitae Variant Classification Sherloc (09022015). Collection method: clinical testing. Allele origin: germline.
Comment: In summary, the available evidence is currently insufficient to determine the role of this variant in disease. Therefore, it has been classified as a Variant of Uncertain Significance. Algorithms developed to predict the effect of missense changes on protein structure and function are either unavailable or do not agree on the potential impact of this missense change (SIFT: "Deleterious"; PolyPhen-2: "Benign"; Align-GVGD: "Class C0"). This variant has not been reported in the literature in individuals affected with KIF7-related conditions. This variant is present in population databases (rs774902437, gnomAD 0.001%). This sequence change replaces aspartic acid, which is acidic and polar, with asparagine, which is neutral and polar, at codon 522 of the KIF7 protein (p.Asp522Asn).

NM_198525.3(KIF7):c.1564G>A (p.Asp522Asn)

Gene: KIF7 (kinesin family member 7; minus strand). Cytogenetic location: 15q26.1.
Variant type: single nucleotide variant.
Coding change: c.1564G>A on transcript NM_198525.3 (MANE Select); coding-DNA position 1564, G replaced by A.
Protein change: p.Asp522Asn; replaces aspartic acid 522 with asparagine.
Molecular consequence: missense variant.
Genome position (GRCh38, 1-based): chr15:89,647,054, C>T on the plus strand (G>A on the coding strand, the complement: KIF7 is on the minus strand). VCF-style: chr15-89647054-C-T. GRCh37 (hg19) VCF-style: chr15-90190285-C-T.
Other names: short protein forms D522N.
Identifiers: ClinVar variation 1388432 (VCV001388432.5), dbSNP rs774902437, ClinGen allele CA7728518.